The following is an entry in ClinVar:

NM_000092.5(COL4A4):c.1369G>A (p.Val457Met)

Gene: COL4A4 (collagen type IV alpha 4 chain; minus strand). Cytogenetic location: 2q36.3.
Variant type: single nucleotide variant.
Coding change: c.1369G>A on transcript NM_000092.5 (MANE Select); coding-DNA position 1369, G replaced by A.
Protein change: p.Val457Met; replaces valine 457 with methionine.
Molecular consequence: missense variant.
Genome position (GRCh38, 1-based): chr2:227,094,125, C>T on the plus strand (G>A on the coding strand, the complement: COL4A4 is on the minus strand). VCF-style: chr2-227094125-C-T. GRCh37 (hg19) VCF-style: chr2-227958841-C-T.
Other names: short protein forms V457M.
Identifiers: ClinVar variation 4689560 (VCV004689560.1).

ClinVar aggregate classification (germline): Uncertain significance (1 of 4 stars; one submission).

Submission:

Women's Health and Genetics/Laboratory Corporation of America, LabCorp
Classification: Uncertain significance. Last evaluated: 2026-01-07. Review status: criteria provided, single submitter. Criteria: LabCorp Variant Classification Summary - May 2015. Collection method: clinical testing. Allele origin: germline.
Comment: Variant summary: COL4A4 c.1369G>A (p.Val457Met) results in a conservative amino acid change in the encoded protein sequence. Algorithms developed to predict the effect of missense changes on protein structure and function are either unavailable or do not agree on the potential impact of this missense change. Several computational tools predict a significant impact on normal splicing: Three predict the variant abolishes a 5' splicing donor site. However, these predictions have yet to be confirmed by functional studies. The variant was absent in 247624 control chromosomes. The available data on variant occurrences in the general population are insufficient to allow any conclusion about variant significance. To our knowledge, no occurrence of c.1369G>A in individuals affected with COL4A4-related conditions and no experimental evidence demonstrating its impact on protein function have been reported. No submitters have cited clinical-significance assessments for this variant to ClinVar. Based on the evidence outlined above, the variant was classified as uncertain significance.